The following is an entry in ClinVar:

NM_017553.3(INO80):c.2716C>G (p.Leu906Val)

Gene: INO80 (INO80 complex ATPase subunit; minus strand). Cytogenetic location: 15q15.1.
Variant type: single nucleotide variant.
Coding change: c.2716C>G on transcript NM_017553.3 (MANE Select); coding-DNA position 2716, C replaced by G.
Protein change: p.Leu906Val; replaces leucine 906 with valine.
Molecular consequence: missense variant. On other transcripts: non-coding transcript variant (1).
Genome position (GRCh38, 1-based): chr15:41,047,427, G>C on the plus strand (C>G on the coding strand, the complement: INO80 is on the minus strand). VCF-style: chr15-41047427-G-C. GRCh37 (hg19) VCF-style: chr15-41339625-G-C.
Other names: c.2716C>G (NM_017553.1); short protein forms L906V.
Identifiers: ClinVar variation 2628854 (VCV002628854.2), dbSNP rs753511359, ClinGen allele CA391791756.
Genomic context (GRCh38, chr15:41,047,427, plus strand): 5'-TCCTAACTGGCCTCTTATCAAGCAATAAGCAAACCTCTCACCTGGCCAAAAGTCCCTGAA[G>C]CATAAGGTTTGCCATTTCTGCTGGAGATATATCAATAAAGCGAAGGAAAGAGAAACAGCT-3'
Protein context (NP_060023.1, residues 896-916): ISPAEMANLM[Leu906Val]QGLLARWLAL

ClinVar aggregate classification (germline): Uncertain significance. Review status: criteria provided, multiple submitters, no conflicts (2 of 4 stars). 2 submissions from 2 submitters: Uncertain significance (2). Last evaluated 2025-10-30.

Conditions:
INO80-related disorder. Also called: INO80-related condition.

Allele frequency attached by ClinVar (database versions not stated): gnomAD 0.00001; TOPMed 0.00002.
gnomAD v4.1: 4 of 1,613,258 alleles (0.00025%); highest among the groups gnomAD compares: Admixed American, 0.0017%; no homozygotes.

Submissions (2):

Ambry Genetics
Classification: Uncertain significance. Last evaluated: 2025-10-30. Review status: criteria provided, single submitter. Criteria: Ambry Variant Classification Scheme 2023. Collection method: clinical testing. Allele origin: germline.

PreventionGenetics, part of Exact Sciences
Classification: Uncertain significance for INO80-related condition. Last evaluated: 2022-08-18. Review status: criteria provided, single submitter. Criteria: ACMG Guidelines, 2015. Collection method: clinical testing. Allele origin: germline.
Comment: The INO80 c.2716C>G variant is predicted to result in the amino acid substitution p.Leu906Val. To our knowledge, this variant has not been reported in the literature or in a large population database, indicating this variant is rare. At this time, the clinical significance of this variant is uncertain due to the absence of conclusive functional and genetic evidence.